The following is an entry in ClinVar:

ClinVar aggregate classification (germline): Uncertain significance. Review status: criteria provided, multiple submitters, no conflicts (2 of 4 stars). 2 submissions from 2 submitters: Uncertain significance (2). Last evaluated 2023-11-24.

Conditions:
Combined oxidative phosphorylation defect type 27. Also called: Combined oxidative phosphorylation deficiency 27. Identifiers: Orphanet 477774, MedGen C5567608, MONDO:0014728, OMIM 616672.

Allele frequency attached by ClinVar (database versions not stated): gnomAD exomes 0.00001; TOPMed 0.00003.
gnomAD v4.1: 13 of 1,613,884 alleles (0.00081%); highest among the groups gnomAD compares: Middle Eastern, 0.017%; no homozygotes.

Submissions (2):

Blueprint Genetics
Classification: Uncertain significance. Last evaluated: 2023-11-24. Review status: criteria provided, single submitter. Criteria: ACMG Guidelines, 2015. Collection method: clinical testing. Allele origin: germline.

Labcorp Genetics (formerly Invitae), Labcorp
Classification: Uncertain significance for Combined oxidative phosphorylation defect type 27. Last evaluated: 2022-08-23. Review status: criteria provided, single submitter. Criteria: Invitae Variant Classification Sherloc (09022015). Collection method: clinical testing. Allele origin: germline.
Comment: This sequence change replaces glycine, which is neutral and non-polar, with arginine, which is basic and polar, at codon 430 of the CARS2 protein (p.Gly430Arg). This variant is present in population databases (no rsID available, gnomAD 0.006%). This variant has not been reported in the literature in individuals affected with CARS2-related conditions. ClinVar contains an entry for this variant (Variation ID: 862899). Algorithms developed to predict the effect of missense changes on protein structure and function are either unavailable or do not agree on the potential impact of this missense change (SIFT: "Tolerated"; PolyPhen-2: "Possibly Damaging"; Align-GVGD: "Class C0"). Algorithms developed to predict the effect of sequence changes on RNA splicing suggest that this variant may create or strengthen a splice site. In summary, the available evidence is currently insufficient to determine the role of this variant in disease. Therefore, it has been classified as a Variant of Uncertain Significance.

NM_024537.4(CARS2):c.1288G>A (p.Gly430Arg)

Gene: CARS2 (cysteinyl-tRNA synthetase 2, mitochondrial; minus strand). Cytogenetic location: 13q34.
Variant type: single nucleotide variant.
Coding change: c.1288G>A on transcript NM_024537.4 (MANE Select); coding-DNA position 1288, G replaced by A.
Protein change: p.Gly430Arg; replaces glycine 430 with arginine.
Molecular consequence: missense variant. On other transcripts: non-coding transcript variant (2).
Genome position (GRCh38, 1-based): chr13:110,645,996, C>T on the plus strand (G>A on the coding strand, the complement: CARS2 is on the minus strand). VCF-style: chr13-110645996-C-T. GRCh37 (hg19) VCF-style: chr13-111298343-C-T.
Other names: c.502G>A, p.Gly168Arg (NM_001352252.2); short protein forms G430R, G168R.
Identifiers: ClinVar variation 862899 (VCV000862899.8), dbSNP rs113033050, ClinGen allele CA256324515.